The following is an entry in ClinVar:

NM_002878.4(RAD51D):c.639C>G (p.Ser213=)

Genes: RAD51L3-RFFL (RAD51L3-RFFL readthrough; minus strand), RAD51D (RAD51 paralog D; minus strand). Cytogenetic location: 17q12.
Variant type: single nucleotide variant.
Coding change: c.639C>G on transcript NM_002878.4 (MANE Select); coding-DNA position 639, C replaced by G.
Protein change: p.Ser213=; no amino-acid change (serine 213 retained).
Molecular consequence: synonymous variant. On other transcripts: non-coding transcript variant (3).
Genome position (GRCh38, 1-based): chr17:35,103,482, G>C on the plus strand (C>G on the coding strand, the complement: RAD51D is on the minus strand). VCF-style: chr17-35103482-G-C. GRCh37 (hg19) VCF-style: chr17-33430501-G-C.
Other names: c.699C>G, p.Ser233= (NM_001142571.2); c.303C>G, p.Ser101= (NM_133629.3).
Identifiers: ClinVar variation 3429745 (VCV003429745.4).

ClinVar aggregate classification (germline): Benign/Likely benign. Review status: criteria provided, multiple submitters, no conflicts (2 of 4 stars). 3 submissions from 3 submitters: Benign (1); Likely benign (2). Last evaluated 2025-02-24.

Conditions:
Breast-ovarian cancer, familial, susceptibility to, 4. Identifiers: Orphanet 145, MedGen C3280345, MONDO:0013669, OMIM 614291.
Hereditary cancer-predisposing syndrome. Also called: Neoplastic Syndromes, Hereditary; Tumor predisposition; Hereditary Cancer Syndrome; Hereditary neoplastic syndrome. Identifiers: Orphanet 140162, MedGen C0027672, MeSH D009386, MONDO:0015356.

gnomAD v4.1: 1 of 1,614,010 alleles (0.000062%); highest among the groups gnomAD compares: East Asian, 0.0022%; no homozygotes.

Submissions (3):

Myriad Genetics, Inc.
Classification: Benign for Breast-ovarian cancer, familial, susceptibility to, 4. Last evaluated: 2025-02-24. Review status: criteria provided, single submitter. Criteria: Myriad Autosomal Dominant, Autosomal Recessive and X-Linked Classification Criteria (2023). Collection method: clinical testing. Allele origin: unknown.
Comment: This variant is considered benign. This variant is a silent/synonymous amino acid change and it is not expected to impact splicing.

Ambry Genetics
Classification: Likely benign for Hereditary cancer-predisposing syndrome. Last evaluated: 2024-07-23. Review status: criteria provided, single submitter. Criteria: Ambry Variant Classification Scheme 2023. Collection method: clinical testing. Allele origin: germline.

Labcorp Genetics (formerly Invitae), Labcorp
Classification: Likely benign for Breast-ovarian cancer, familial, susceptibility to, 4. Last evaluated: 2024-04-06. Review status: criteria provided, single submitter. Criteria: Invitae Variant Classification Sherloc (09022015). Collection method: clinical testing. Allele origin: germline.